The following is an entry in ClinVar:

NM_005862.3(STAG1):c.2236C>A (p.Leu746Ile)

Gene: STAG1 (STAG1 cohesin complex component; minus strand). Cytogenetic location: 3q22.3.
Variant type: single nucleotide variant.
Coding change: c.2236C>A on transcript NM_005862.3 (MANE Select); coding-DNA position 2236, C replaced by A.
Protein change: p.Leu746Ile; replaces leucine 746 with isoleucine.
Molecular consequence: missense variant.
Genome position (GRCh38, 1-based): chr3:136,398,790, G>T on the plus strand (C>A on the coding strand, the complement: STAG1 is on the minus strand). VCF-style: chr3-136398790-G-T. GRCh37 (hg19) VCF-style: chr3-136117632-G-T.
Other names: short protein forms L746I.
Identifiers: ClinVar variation 2065902 (VCV002065902.4), dbSNP rs768593348, ClinGen allele CA2632640.

ClinVar aggregate classification (germline): Uncertain significance (1 of 4 stars; one submission).

Allele frequency attached by ClinVar (database versions not stated): gnomAD exomes below 0.00001; TOPMed below 0.00001; ExAC 0.00001.
gnomAD v4.1: 1 of 1,604,404 alleles (0.000062%); highest among the groups gnomAD compares: African/African-American, 0.0013%; no homozygotes.

Submission:

Labcorp Genetics (formerly Invitae), Labcorp
Classification: Uncertain significance. Last evaluated: 2022-09-04. Review status: criteria provided, single submitter. Criteria: Invitae Variant Classification Sherloc (09022015). Collection method: clinical testing. Allele origin: germline.
Comment: In summary, the available evidence is currently insufficient to determine the role of this variant in disease. Therefore, it has been classified as a Variant of Uncertain Significance. Advanced modeling of protein sequence and biophysical properties (such as structural, functional, and spatial information, amino acid conservation, physicochemical variation, residue mobility, and thermodynamic stability) performed at Invitae indicates that this missense variant is not expected to disrupt STAG1 protein function. This variant has not been reported in the literature in individuals affected with STAG1-related conditions. This variant is present in population databases (rs768593348, gnomAD 0.007%). This sequence change replaces leucine, which is neutral and non-polar, with isoleucine, which is neutral and non-polar, at codon 746 of the STAG1 protein (p.Leu746Ile).